The following is an entry in ClinVar:

NM_001035.3(RYR2):c.10901A>G (p.His3634Arg)

Gene: RYR2 (ryanodine receptor 2; plus strand). Cytogenetic location: 1q43.
Variant type: single nucleotide variant.
Coding change: c.10901A>G on transcript NM_001035.3 (MANE Select); coding-DNA position 10901, A replaced by G.
Protein change: p.His3634Arg; replaces histidine 3634 with arginine.
Molecular consequence: missense variant.
Genome position (GRCh38, 1-based): chr1:237,730,322, A>G. VCF-style: chr1-237730322-A-G. GRCh37 (hg19) VCF-style: chr1-237893622-A-G.
Other names: short protein forms H3634R.
Identifiers: ClinVar variation 3315877 (VCV003315877.2).

ClinVar aggregate classification (germline): Uncertain significance. Review status: criteria provided, multiple submitters, no conflicts (2 of 4 stars). 2 submissions from 2 submitters: Uncertain significance (2). Last evaluated 2024-06-11.

Conditions:
Cardiovascular phenotype. Identifiers: MedGen CN230736.

gnomAD v4.1: 1 of 1,601,958 alleles (0.000062%); highest among the groups gnomAD compares: Non-Finnish European, 0.000086%; no homozygotes.

Submissions (2):

Ambry Genetics
Classification: Uncertain significance for Cardiovascular phenotype. Last evaluated: 2024-06-11. Review status: criteria provided, single submitter. Criteria: Ambry Variant Classification Scheme 2023. Collection method: clinical testing. Allele origin: germline.
Comment: The p.H3634R variant (also known as c.10901A>G), located in coding exon 77 of the RYR2 gene, results from an A to G substitution at nucleotide position 10901. The histidine at codon 3634 is replaced by arginine, an amino acid with highly similar properties. This amino acid position is well conserved in available vertebrate species. In addition, the in silico prediction for this alteration is inconclusive. Based on the available evidence, the clinical significance of this variant remains unclear.

GeneDx
Classification: Uncertain significance. Last evaluated: 2023-11-09. Review status: criteria provided, single submitter. Criteria: GeneDx Variant Classification Process June 2021. Collection method: clinical testing. Allele origin: germline. Affected: yes.
Comment: Not observed at significant frequency in large population cohorts (gnomAD); In silico analysis supports that this missense variant has a deleterious effect on protein structure/function; Has not been previously published as pathogenic or benign to our knowledge